The following is an entry in ClinVar:

NM_003105.6(SORL1):c.2174C>A (p.Thr725Lys)

Gene: SORL1 (sortilin related receptor 1; plus strand). Cytogenetic location: 11q24.1.
Variant type: single nucleotide variant.
Coding change: c.2174C>A on transcript NM_003105.6 (MANE Select); coding-DNA position 2174, C replaced by A.
Protein change: p.Thr725Lys; replaces threonine 725 with lysine.
Molecular consequence: missense variant.
Genome position (GRCh38, 1-based): chr11:121,550,082, C>A. VCF-style: chr11-121550082-C-A. GRCh37 (hg19) VCF-style: chr11-121420791-C-A.
Other names: short protein forms T725K.
Identifiers: ClinVar variation 3690115 (VCV003690115.2).

ClinVar aggregate classification (germline): Uncertain significance (1 of 4 stars; one submission).

Submission:

Labcorp Genetics (formerly Invitae), Labcorp
Classification: Uncertain significance. Last evaluated: 2025-01-31. Review status: criteria provided, single submitter. Criteria: Invitae Variant Classification Sherloc (09022015). Collection method: clinical testing. Allele origin: germline.
Comment: This sequence change replaces threonine, which is neutral and polar, with lysine, which is basic and polar, at codon 725 of the SORL1 protein (p.Thr725Lys). This variant is not present in population databases (gnomAD no frequency). This variant has not been reported in the literature in individuals affected with SORL1-related conditions. An algorithm developed to predict the effect of missense changes on protein structure and function (PolyPhen-2) suggests that this variant is likely to be tolerated. In summary, the available evidence is currently insufficient to determine the role of this variant in disease. Therefore, it has been classified as a Variant of Uncertain Significance.